The following is an entry in ClinVar:

ClinVar aggregate classification (germline): Uncertain significance (1 of 4 stars; one submission).

Submission:

Women's Health and Genetics/Laboratory Corporation of America, LabCorp
Classification: Uncertain significance. Last evaluated: 2025-10-27. Review status: criteria provided, single submitter. Criteria: LabCorp Variant Classification Summary - May 2015. Collection method: clinical testing. Allele origin: germline.
Comment: Variant summary: MMUT c.2032C>G (p.His678Asp) results in a non-conservative amino acid change in the encoded protein sequence. Algorithms developed to predict the effect of missense changes on protein structure and function all suggest that this variant is likely to be disruptive. The variant was absent in 251252 control chromosomes. The available data on variant occurrences in the general population are insufficient to allow any conclusion about variant significance. c.2032C>G has been observed in one individual affected with Methylmalonic Acidemia (Wang_2019). These data do not allow any conclusion about variant significance. A different variant affecting the same codon has been classified as likely pathogenic by our lab (c.2033A>G, p.His678Arg), supporting the critical relevance of codon 678 to MMUT protein function. To our knowledge, no experimental evidence demonstrating an impact on protein function has been reported. The following publication has been ascertained in the context of this evaluation (PMID: 30612563). No submitters have cited clinical-significance assessments for this variant to ClinVar. Based on the evidence outlined above, the variant was classified as VUS-possibly pathogenic.

Literature cited by the submitters: PubMed 30612563.

NM_000255.4(MMUT):c.2032C>G (p.His678Asp)

Gene: MMUT (methylmalonyl-CoA mutase; minus strand). Cytogenetic location: 6p12.3.
Variant type: single nucleotide variant.
Coding change: c.2032C>G on transcript NM_000255.4 (MANE Select); coding-DNA position 2032, C replaced by G.
Protein change: p.His678Asp; replaces histidine 678 with aspartic acid.
Molecular consequence: missense variant.
Genome position (GRCh38, 1-based): chr6:49,435,548, G>C on the plus strand (C>G on the coding strand, the complement: MMUT is on the minus strand). VCF-style: chr6-49435548-G-C. GRCh37 (hg19) VCF-style: chr6-49403261-G-C.
Other names: short protein forms H678D.
Identifiers: ClinVar variation 4687722 (VCV004687722.1).